The following is an entry in ClinVar:

NM_001372.4(DNAH9):c.4624A>T (p.Arg1542Trp)

Gene: DNAH9 (dynein axonemal heavy chain 9; plus strand). Cytogenetic location: 17p12.
Variant type: single nucleotide variant.
Coding change: c.4624A>T on transcript NM_001372.4 (MANE Select); coding-DNA position 4624, A replaced by T.
Protein change: p.Arg1542Trp; replaces arginine 1542 with tryptophan.
Molecular consequence: missense variant.
Genome position (GRCh38, 1-based): chr17:11,693,877, A>T. VCF-style: chr17-11693877-A-T. GRCh37 (hg19) VCF-style: chr17-11597194-A-T.
Other names: c.4624A>T (NM_001372.3); short protein forms R1542W.
Identifiers: ClinVar variation 2192178 (VCV002192178.6), dbSNP rs770588290, ClinGen allele CA8395724.
Genomic context (GRCh38, chr17:11,693,877, plus strand): 5'-CTAGGAACTGAGTGGAGTGGTGGTTAATTGCTTCCACATTTTTATTTGCAGGATTCTAAA[A>T]GGTTTGAAGGCATCGACATTGACTTTAAAGAGCTAGCTTATGATGCCCAGAAAATTCCAA-3'
Protein context (NP_001363.2, residues 1532-1552): IRAQLPQDSK[Arg1542Trp]FEGIDIDFKE

ClinVar aggregate classification (germline): Uncertain significance. Review status: criteria provided, multiple submitters, no conflicts (2 of 4 stars). 2 submissions from 2 submitters: Uncertain significance (2). Last evaluated 2023-03-02.

Conditions:
Inborn genetic diseases. Identifiers: MedGen C0950123, MeSH D030342.

Allele frequency attached by ClinVar (database versions not stated): TOPMed below 0.00001; gnomAD 0.00001.
gnomAD v4.1: 60 of 1,613,982 alleles (0.0037%); highest among the groups gnomAD compares: Non-Finnish European, 0.0049%; no homozygotes.

Submissions (2):

Ambry Genetics
Classification: Uncertain significance for Inborn genetic diseases. Last evaluated: 2023-03-02. Review status: criteria provided, single submitter. Criteria: Ambry Variant Classification Scheme 2023. Collection method: clinical testing. Allele origin: germline.

Labcorp Genetics (formerly Invitae), Labcorp
Classification: Uncertain significance. Last evaluated: 2022-07-24. Review status: criteria provided, single submitter. Criteria: Invitae Variant Classification Sherloc (09022015). Collection method: clinical testing. Allele origin: germline.
Comment: In summary, the available evidence is currently insufficient to determine the role of this variant in disease. Therefore, it has been classified as a Variant of Uncertain Significance. Algorithms developed to predict the effect of missense changes on protein structure and function are either unavailable or do not agree on the potential impact of this missense change (SIFT: "Deleterious"; PolyPhen-2: "Probably Damaging"; Align-GVGD: "Class C0"). This variant has not been reported in the literature in individuals affected with DNAH9-related conditions. This variant is present in population databases (rs770588290, gnomAD 0.007%). This sequence change replaces arginine, which is basic and polar, with tryptophan, which is neutral and slightly polar, at codon 1542 of the DNAH9 protein (p.Arg1542Trp).